The following is an entry in ClinVar:

ClinVar aggregate classification (germline): Pathogenic. Review status: criteria provided, multiple submitters, no conflicts (2 of 4 stars). 4 submissions from 4 submitters: Pathogenic (3). 1 of the submissions does not count toward it. Last evaluated 2026-04-21.

Conditions:
Spondyloepiphyseal dysplasia tarda (SEDT). Also called: SPONDYLOEPIPHYSEAL DYSPLASIA, LATE. Identifiers: Orphanet 93284, MedGen CN033239, MONDO:0019667.

Submissions (4):

GeneDx
Classification: Pathogenic. Last evaluated: 2026-04-21. Review status: criteria provided, single submitter. Criteria: GeneDx Variant Classification Process June 2021. Collection method: clinical testing. Allele origin: germline.
Comment: Frameshift variant predicted to result in protein truncation or nonsense mediated decay in a gene for which loss of function is a known mechanism of disease; Not observed at significant frequency in large population cohorts (gnomAD); This variant is associated with the following publications: (PMID: 38702915, 32471379, 10431248)

Labcorp Genetics (formerly Invitae), Labcorp
Classification: Pathogenic. Last evaluated: 2025-11-23. Review status: criteria provided, single submitter. Criteria: Invitae Variant Classification Sherloc (09022015). Collection method: clinical testing. Allele origin: germline.
Comment: This sequence change creates a premature translational stop signal (p.Val64Glyfs*24) in the TRAPPC2 gene. It is expected to result in an absent or disrupted protein product. Loss-of-function variants in TRAPPC2 are known to be pathogenic (PMID: 11349230). This variant is not present in population databases (gnomAD no frequency). This premature translational stop signal has been observed in individual(s) with spondyloepiphyseal dysplasia tarda (PMID: 10431248). For these reasons, this variant has been classified as Pathogenic.

CeGaT Center for Human Genetics Tuebingen
Classification: Pathogenic. Last evaluated: 2024-12-01. Review status: criteria provided, single submitter. Criteria: CeGaT Center For Human Genetics Tuebingen Variant Classification Criteria Version 2. Collection method: clinical testing. Allele origin: germline. Affected: yes. Observed: 2 variant alleles.
Comment: TRAPPC2: PVS1, PM2, PS4:Moderate

OMIM
Classification: Pathogenic for SPONDYLOEPIPHYSEAL DYSPLASIA TARDA. Last evaluated: 2001-06-01. Review status: no assertion criteria provided. Collection method: literature only. Allele origin: germline. Not counted in ClinVar's aggregate classification.

Literature cited by the submitters: PubMed 11349230 (cited by Labcorp Genetics (formerly Invitae), Labcorp and OMIM); PubMed 10431248 (cited by Labcorp Genetics (formerly Invitae), Labcorp and OMIM).

NM_001011658.4(TRAPPC2):c.191_192del (p.Val64fs)

Genes: OFD1 (OFD1 centriole and centriolar satellite protein; plus strand), TRAPPC2 (trafficking protein particle complex subunit 2; minus strand). Cytogenetic location: Xp22.2.
Variant type: Microsatellite.
Coding change: c.191_192del on transcript NM_001011658.4 (MANE Select); coding-DNA positions 191 to 192, 2 bases deleted (TG; older notation c.191_192delTG).
Protein change: p.Val64fs; shifts the reading frame from valine 64.
Molecular consequence: frameshift variant.
Genome position (GRCh38, 1-based): chrX:13,716,580-13,716,581, CA deleted on the plus strand (TG on the coding strand, the reverse complement: TRAPPC2 is on the minus strand); deleting any 2 consecutive bases within chrX:13,716,580-13,716,583 gives the same sequence; the c. name uses the placement nearest the transcript's 3' end. VCF-style (leftmost placement, unchanged base first): chrX-13716579-CCA-C. GRCh37 (hg19) VCF-style: chrX-13734698-CCA-C.
Other names: c.191_192del (NM_014563.5, NM_001011658.3); c.293_294del, p.Val98fs (NM_001128835.3); c.191_192del, p.Val64fs (NM_014563.6); short protein forms V64fs, V98fs.
Identifiers: ClinVar variation 11508 (VCV000011508.36), dbSNP rs587776749, ClinGen allele CA255909.